The following is an entry in ClinVar:

NC_000005.10:g.(?_74685251)_(74697116_?)del

Genes: HEXB (hexosaminidase subunit beta; plus strand), LOC129994060 (ATAC-STARR-seq lymphoblastoid active region 22672; plus strand), LOC129994061 (ATAC-STARR-seq lymphoblastoid active region 22673; plus strand), LOC129994062 (ATAC-STARR-seq lymphoblastoid active region 22674; plus strand). Cytogenetic location: 5q13.3.
Variant type: Deletion.
Identifiers: ClinVar variation 644276 (VCV000644276.7).

ClinVar aggregate classification (germline): Pathogenic (1 of 4 stars; one submission).

Conditions:
Sandhoff disease. Also called: GM2-GANGLIOSIDOSIS, TYPE II; HEXOSAMINIDASES A AND B DEFICIENCY; Beta-hexosaminidase-beta-subunit deficiency; GM2 gangliosidosis, type 2; Total hexosaminidase deficiency; Sandhoff-Jatzkewitz-Pilz disease. Identifiers: Orphanet 796, MedGen C0036161, MONDO:0010006, OMIM 268800.

Submission:

Labcorp Genetics (formerly Invitae), Labcorp
Classification: Pathogenic for Sandhoff disease. Last evaluated: 2022-10-31. Review status: criteria provided, single submitter. Criteria: Invitae Variant Classification Sherloc (09022015). Collection method: clinical testing. Allele origin: germline.
Comment: This variant is a gross deletion of the genomic region encompassing exon(s) 1-5 of the HEXB gene, which includes the initiator codon. This deletion extends beyond the assayed region for this gene and therefore may encompass additional genes. It is expected to result in an absent or disrupted protein product. Loss-of-function variants in HEXB are known to be pathogenic (PMID: 7550345, 18758829). A similar copy number variant has been observed in individuals with Sandhoff disease (PMID: 2921040, 23010210). For these reasons, this variant has been classified as Pathogenic.

Literature cited by the submitters: PubMed 7550345; PubMed 18758829; PubMed 2921040; PubMed 23010210.